The following is an entry in ClinVar:

NM_020812.4(DOCK6):c.3457G>A (p.Ala1153Thr)

Gene: DOCK6 (dedicator of cytokinesis 6; minus strand). Cytogenetic location: 19p13.2.
Variant type: single nucleotide variant.
Coding change: c.3457G>A on transcript NM_020812.4 (MANE Select); coding-DNA position 3457, G replaced by A.
Protein change: p.Ala1153Thr; replaces alanine 1153 with threonine.
Molecular consequence: missense variant.
Genome position (GRCh38, 1-based): chr19:11,221,944, C>T on the plus strand (G>A on the coding strand, the complement: DOCK6 is on the minus strand). VCF-style: chr19-11221944-C-T. GRCh37 (hg19) VCF-style: chr19-11332620-C-T.
Other names: c.3562G>A, p.Ala1188Thr (NM_001367830.1); c.3457G>A (NM_020812.2, NM_020812.3); short protein forms A1153T, A1188T.
Identifiers: ClinVar variation 1416991 (VCV001416991.6), dbSNP rs776543777, ClinGen allele CA404087954.

ClinVar aggregate classification (germline): Uncertain significance. Review status: criteria provided, multiple submitters, no conflicts (2 of 4 stars). 3 submissions from 3 submitters: Uncertain significance (3). Last evaluated 2025-10-06.

Conditions:
Inborn genetic diseases. Identifiers: MedGen C0950123, MeSH D030342.

Allele frequency attached by ClinVar (database versions not stated): gnomAD 0.00001; TOPMed 0.00002.
gnomAD v4.1: 36 of 1,613,666 alleles (0.0022%); highest among the groups gnomAD compares: Middle Eastern, 0.016%; no homozygotes.

Submissions (3):

Labcorp Genetics (formerly Invitae), Labcorp
Classification: Uncertain significance. Last evaluated: 2025-10-06. Review status: criteria provided, single submitter. Criteria: Invitae Variant Classification Sherloc (09022015). Collection method: clinical testing. Allele origin: germline.
Comment: This sequence change replaces alanine, which is neutral and non-polar, with threonine, which is neutral and polar, at codon 1153 of the DOCK6 protein (p.Ala1153Thr). This variant is present in population databases (no rsID available, gnomAD 0.003%). This variant has not been reported in the literature in individuals affected with DOCK6-related conditions. ClinVar contains an entry for this variant (Variation ID: 1416991). Invitae Evidence Modeling of protein sequence and biophysical properties (such as structural, functional, and spatial information, amino acid conservation, physicochemical variation, residue mobility, and thermodynamic stability) indicates that this missense variant is not expected to disrupt DOCK6 protein function with a negative predictive value of 80%. In summary, the available evidence is currently insufficient to determine the role of this variant in disease. Therefore, it has been classified as a Variant of Uncertain Significance.

GeneDx
Classification: Uncertain significance. Last evaluated: 2024-09-10. Review status: criteria provided, single submitter. Criteria: GeneDx Variant Classification Process June 2021. Collection method: clinical testing. Allele origin: germline. Affected: yes.
Comment: Not observed at significant frequency in large population cohorts (gnomAD); In silico analysis indicates that this missense variant does not alter protein structure/function; Has not been previously published as pathogenic or benign to our knowledge

Ambry Genetics
Classification: Uncertain significance for Inborn genetic diseases. Last evaluated: 2022-11-07. Review status: criteria provided, single submitter. Criteria: Ambry Variant Classification Scheme 2023. Collection method: clinical testing. Allele origin: germline.